The following is an entry in ClinVar:

NM_015909.4(NBAS):c.3534C>A (p.Ser1178Arg)

Gene: NBAS (NBAS subunit of NRZ tethering complex; minus strand). Cytogenetic location: 2p24.3.
Variant type: single nucleotide variant.
Coding change: c.3534C>A on transcript NM_015909.4 (MANE Select); coding-DNA position 3534, C replaced by A.
Protein change: p.Ser1178Arg; replaces serine 1178 with arginine.
Molecular consequence: missense variant. On other transcripts: non-coding transcript variant (1).
Genome position (GRCh38, 1-based): chr2:15,379,658, G>T on the plus strand (C>A on the coding strand, the complement: NBAS is on the minus strand). VCF-style: chr2-15379658-G-T. GRCh37 (hg19) VCF-style: chr2-15519782-G-T.
Other names: short protein forms S1178R.
Identifiers: ClinVar variation 1346432 (VCV001346432.8), dbSNP rs1674933610, ClinGen allele CA345896884.

ClinVar aggregate classification (germline): Uncertain significance (1 of 4 stars; one submission).

Allele frequency attached by ClinVar (database versions not stated): TOPMed below 0.00001; gnomAD 0.00001.
gnomAD v4.1: 1 of 1,613,822 alleles (0.000062%); highest among the groups gnomAD compares: Non-Finnish European, 0.000085%; no homozygotes.

Submission:

Labcorp Genetics (formerly Invitae), Labcorp
Classification: Uncertain significance. Last evaluated: 2022-06-20. Review status: criteria provided, single submitter. Criteria: Invitae Variant Classification Sherloc (09022015). Collection method: clinical testing. Allele origin: germline.
Comment: In summary, the available evidence is currently insufficient to determine the role of this variant in disease. Therefore, it has been classified as a Variant of Uncertain Significance. Algorithms developed to predict the effect of missense changes on protein structure and function (SIFT, PolyPhen-2, Align-GVGD) all suggest that this variant is likely to be disruptive. This missense change has been observed in individual(s) with infantile liver failure (PMID: 31761904, 34386911). This variant is not present in population databases (gnomAD no frequency). This sequence change replaces serine, which is neutral and polar, with arginine, which is basic and polar, at codon 1178 of the NBAS protein (p.Ser1178Arg).

Literature cited by the submitters: PubMed 31761904; PubMed 34386911.